The following is an entry in ClinVar:

ClinVar aggregate classification (germline): Uncertain significance (1 of 4 stars; one submission).

Conditions:
Biotin-responsive basal ganglia disease (BTBGD). Also called: Thiamine Transporter-2 Deficiency; Thiamine metabolism dysfunction syndrome type 2; THIAMINE METABOLISM DYSFUNCTION SYNDROME 2 (BIOTIN- AND THIAMINE-RESPONSIVE TYPE); thiamine-responsive encephalopathy; Thiamine metabolism dysfunction syndrome 2 (biotin- or thiamine-responsive encephalopathy type 2). Identifiers: Orphanet 199348, Orphanet 65284, MedGen C1843807, MONDO:0011841, OMIM 607483.

Allele frequency attached by ClinVar (database versions not stated): gnomAD exomes 0.00001; ExAC 0.00002.

Submission:

Labcorp Genetics (formerly Invitae), Labcorp
Classification: Uncertain significance for Biotin-responsive basal ganglia disease. Last evaluated: 2021-08-27. Review status: criteria provided, single submitter. Criteria: Invitae Variant Classification Sherloc (09022015). Collection method: clinical testing. Allele origin: germline.
Comment: This sequence change replaces methionine with valine at codon 106 of the SLC19A3 protein (p.Met106Val). The methionine residue is highly conserved and there is a small physicochemical difference between methionine and valine. The frequency data for this variant in the population databases is considered unreliable, as metrics indicate poor data quality at this position in the ExAC database. This variant has not been reported in the literature in individuals affected with SLC19A3-related conditions. Algorithms developed to predict the effect of missense changes on protein structure and function are either unavailable or do not agree on the potential impact of this missense change (SIFT: "Deleterious"; PolyPhen-2: "Probably Damaging"; Align-GVGD: "Class C0"). In summary, the available evidence is currently insufficient to determine the role of this variant in disease. Therefore, it has been classified as a Variant of Uncertain Significance.

NM_025243.4(SLC19A3):c.316A>G (p.Met106Val)

Gene: SLC19A3 (solute carrier family 19 member 3; minus strand). Cytogenetic location: 2q36.3.
Variant type: single nucleotide variant.
Coding change: c.316A>G on transcript NM_025243.4 (MANE Select); coding-DNA position 316, A replaced by G.
Protein change: p.Met106Val; replaces methionine 106 with valine.
Molecular consequence: missense variant.
Genome position (GRCh38, 1-based): chr2:227,699,399, T>C on the plus strand (A>G on the coding strand, the complement: SLC19A3 is on the minus strand). VCF-style: chr2-227699399-T-C. GRCh37 (hg19) VCF-style: chr2-228564115-T-C.
Other names: c.316A>G, p.Met106Val (NM_001371411.1, NM_001371412.1); c.304A>G, p.Met102Val (NM_001371413.1, NM_001371414.1); short protein forms M106V, M102V.
Identifiers: ClinVar variation 1489176 (VCV001489176.5), dbSNP rs769548199, ClinGen allele CA2149334.